The following is an entry in ClinVar:

NM_001375524.1(TRRAP):c.4886C>T (p.Thr1629Met)

Gene: TRRAP (transformation/transcription domain associated protein; plus strand). Cytogenetic location: 7q22.1.
Variant type: single nucleotide variant.
Coding change: c.4886C>T on transcript NM_001375524.1 (MANE Select); coding-DNA position 4886, C replaced by T.
Protein change: p.Thr1629Met; replaces threonine 1629 with methionine.
Molecular consequence: missense variant.
Genome position (GRCh38, 1-based): chr7:98,949,514, C>T. VCF-style: chr7-98949514-C-T. GRCh37 (hg19) VCF-style: chr7-98547137-C-T.
Other names: c.4865C>T, p.Thr1622Met (NM_001244580.2); c.4811C>T, p.Thr1604Met (NM_003496.4); short protein forms T1604M, T1629M, T1622M.
Identifiers: ClinVar variation 2883592 (VCV002883592.3), dbSNP rs782760400, ClinGen allele CA4360405.

ClinVar aggregate classification (germline): Uncertain significance (1 of 4 stars; one submission).

Allele frequency attached by ClinVar (database versions not stated): TOPMed below 0.00001; ExAC 0.00001; gnomAD exomes 0.00002; gnomAD 0.00003.
gnomAD v4.1: 32 of 1,608,934 alleles (0.002%); highest among the groups gnomAD compares: Non-Finnish European, 0.0023%; no homozygotes.

Submission:

Labcorp Genetics (formerly Invitae), Labcorp
Classification: Uncertain significance. Last evaluated: 2024-02-19. Review status: criteria provided, single submitter. Criteria: Invitae Variant Classification Sherloc (09022015). Collection method: clinical testing. Allele origin: germline.
Comment: This sequence change replaces threonine, which is neutral and polar, with methionine, which is neutral and non-polar, at codon 1604 of the TRRAP protein (p.Thr1604Met). This variant is present in population databases (rs782760400, gnomAD 0.004%). This variant has not been reported in the literature in individuals affected with TRRAP-related conditions. An algorithm developed to predict the effect of missense changes on protein structure and function (PolyPhen-2) suggests that this variant is likely to be tolerated. In summary, the available evidence is currently insufficient to determine the role of this variant in disease. Therefore, it has been classified as a Variant of Uncertain Significance.